The following is an entry in ClinVar:

NM_000256.3(MYBPC3):c.*67A>C

Gene: MYBPC3 (myosin binding protein C3; minus strand). Cytogenetic location: 11p11.2.
Variant type: single nucleotide variant.
Coding change: c.*67A>C on transcript NM_000256.3 (MANE Select); 67 bases downstream of the stop codon, A replaced by C.
Molecular consequence: 3 prime UTR variant.
Genome position (GRCh38, 1-based): chr11:47,331,676, T>G on the plus strand (A>C on the coding strand, the complement: MYBPC3 is on the minus strand). VCF-style: chr11-47331676-T-G. GRCh37 (hg19) VCF-style: chr11-47353227-T-G.
Identifiers: ClinVar variation 3773805 (VCV003773805.1).

ClinVar aggregate classification (germline): Uncertain significance (1 of 4 stars; one submission).

Conditions:
Hypertrophic cardiomyopathy. Also called: HYPERTROPHIC MYOCARDIOPATHY. Identifiers: Orphanet 217569, MedGen C0007194, MeSH D002312, MONDO:0005045, HP:0001639.

Submission:

Molecular Genetics, Royal Melbourne Hospital
Classification: Uncertain significance for Hypertrophic cardiomyopathy. Last evaluated: 2024-11-04. Review status: criteria provided, single submitter. Criteria: ACMG Guidelines, 2015. Collection method: clinical testing. Allele origin: germline. Inheritance: Autosomal dominant inheritance. Affected: yes.
Comment: This sequence change is located in the 3' untranslated region of MYBPC3. No functional assays have been reported to assess if the variant affects protein expression. This variant is absent from the population database gnomAD v4.1. To our knowledge, this variant is novel and has not been previously reported in the relevant scientific literature or databases. Based on the classification scheme RMH Modified ACMG/AMP Guidelines v1.7.0, this variant is classified as a VARIANT OF UNCERTAIN SIGNIFICANCE. Following criteria are met: PM2_Supporting